The following is an entry in ClinVar:

ClinVar aggregate classification (germline): Uncertain significance (1 of 4 stars; one submission).

Submission:

Dasa
Classification: Uncertain significance. Last evaluated: 2025-12-02. Review status: criteria provided, single submitter. Criteria: DASA Assertion Criteria. Collection method: clinical testing. Allele origin: germline.
Comment: NM_001378183.1(PIEZO2):c.3540_3545del (p.Arg1183_Arg1184del) is an in-frame deletion predicted to remove amino acids from arginine at protein position 1183 through arginine at protein position 1184 without shifting the reading frame. This variant is absent from population databases. The currently available literature and clinical evidence are not sufficient to establish a definitive association between this variant and the reported condition. Therefore, this variant is classified as a variant of uncertain significance.

NM_001378183.1(PIEZO2):c.3540_3545del (p.Arg1183_Arg1184del)

Gene: PIEZO2 (piezo type mechanosensitive ion channel component 2; minus strand). Cytogenetic location: 18p11.22.
Variant type: Deletion.
Coding change: c.3540_3545del on transcript NM_001378183.1 (MANE Select); coding-DNA positions 3540 to 3545, 6 bases deleted (TAGACG; older notation c.3540_3545delTAGACG).
Protein change: p.Arg1183_Arg1184del.
Molecular consequence: inframe deletion.
Genome position (GRCh38, 1-based): chr18:10,759,815-10,759,820, CGTCTA deleted on the plus strand (TAGACG on the coding strand, the reverse complement: PIEZO2 is on the minus strand). VCF-style (leftmost placement, unchanged base first): chr18-10759814-GCGTCTA-G. GRCh37 (hg19) VCF-style: chr18-10759812-GCGTCTA-G.
Other names: c.3540_3545del, p.Arg1183_Arg1184del (NM_001410871.1); c.3465_3470del, p.Arg1158_Arg1159del (NM_022068.4).
Identifiers: ClinVar variation 4884095 (VCV004884095.2).